The following is an entry in ClinVar:

NM_001009944.3(PKD1):c.11948T>C (p.Leu3983Pro)

Gene: PKD1 (polycystin 1, transient receptor potential channel interacting; minus strand). Cytogenetic location: 16p13.3.
Variant type: single nucleotide variant.
Coding change: c.11948T>C on transcript NM_001009944.3 (MANE Select); coding-DNA position 11948, T replaced by C.
Protein change: p.Leu3983Pro; replaces leucine 3983 with proline.
Molecular consequence: missense variant.
Genome position (GRCh38, 1-based): chr16:2,090,939, A>G on the plus strand (T>C on the coding strand, the complement: PKD1 is on the minus strand). VCF-style: chr16-2090939-A-G. GRCh37 (hg19) VCF-style: chr16-2140940-A-G.
Other names: p.Leu3983Pro; c.11945T>C, p.Leu3982Pro (NM_000296.4); short protein forms L3982P, L3983P.
Identifiers: ClinVar variation 3380342 (VCV003380342.2).

ClinVar aggregate classification (germline): Uncertain significance. Review status: criteria provided, multiple submitters, no conflicts (2 of 4 stars). 2 submissions from 2 submitters: Uncertain significance (2). Last evaluated 2024-06-03.

Conditions:
Polycystic kidney disease, adult type (PKD1). Also called: POLYCYSTIC KIDNEY DISEASE, ADULT, TYPE I; Polycystic Kidney Disease 1, Autosomal Dominant; Polycystic kidney disease 1; Polycystic kidney disease 1, severe; Polycystic Kidney, Autosomal Dominant; POLYCYSTIC KIDNEY DISEASE 1 WITH OR WITHOUT POLYCYSTIC LIVER DISEASE. Identifiers: MedGen C3149841, MONDO:0008263, OMIM 173900.

Submissions (2):

Fulgent Genetics
Classification: Uncertain significance for Polycystic kidney disease, adult type. Last evaluated: 2024-06-03. Review status: criteria provided, single submitter. Criteria: ACMG Guidelines, 2015. Collection method: clinical testing. Allele origin: germline.

Mayo Clinic Laboratories, Mayo Clinic
Classification: Uncertain significance. Last evaluated: 2024-01-24. Review status: criteria provided, single submitter. Criteria: ACMG Guidelines, 2015. Collection method: clinical testing. Allele origin: germline. Observed: 1 variant allele.
Comment: PM2